The following is an entry in ClinVar:

ClinVar aggregate classification (germline): Likely benign. Review status: criteria provided, multiple submitters, no conflicts (2 of 4 stars). 3 submissions from 3 submitters: Likely benign (3). Last evaluated 2025-12-10.

Conditions:
CEP78-related disorder. Also called: CEP78-related condition.

Allele frequency attached by ClinVar (database versions not stated): gnomAD 0.00007 and 0.00009; TOPMed 0.00015; ExAC 0.00021; gnomAD exomes 0.00025; 1000 Genomes Project 30x 0.00031; 1000 Genomes Project 0.00040.
gnomAD v4.1: 94 of 1,613,230 alleles (0.0058%); highest among the groups gnomAD compares: East Asian, 0.18%; no homozygotes.

Submissions (3):

PreventionGenetics, part of Exact Sciences
Classification: Likely benign for CEP78-related condition. Last evaluated: 2025-12-10. Review status: criteria provided, single submitter. Criteria: ACMG Guidelines, 2015. Collection method: clinical testing. Allele origin: germline.
Comment: This variant is classified as likely benign based on ACMG/AMP sequence variant interpretation guidelines (Richards et al. 2015 PMID: 25741868, with internal and published modifications).

Labcorp Genetics (formerly Invitae), Labcorp
Classification: Likely benign. Last evaluated: 2025-06-22. Review status: criteria provided, single submitter. Criteria: Invitae Variant Classification Sherloc (09022015). Collection method: clinical testing. Allele origin: germline.

Blueprint Genetics
Classification: Likely benign. Last evaluated: 2024-02-13. Review status: criteria provided, single submitter. Criteria: ACMG Guidelines, 2015. Collection method: clinical testing. Allele origin: germline.

NM_001330691.3(CEP78):c.2023G>C (p.Ala675Pro)

Gene: CEP78 (centrosomal protein 78; plus strand). Cytogenetic location: 9q21.2.
Variant type: single nucleotide variant.
Coding change: c.2023G>C on transcript NM_001330691.3 (MANE Select); coding-DNA position 2023, G replaced by C.
Protein change: p.Ala675Pro; replaces alanine 675 with proline.
Molecular consequence: missense variant.
Genome position (GRCh38, 1-based): chr9:78,266,619, G>C. VCF-style: chr9-78266619-G-C. GRCh37 (hg19) VCF-style: chr9-80881535-G-C.
Other names: c.2026G>C, p.Ala676Pro (NM_001098802.3, NM_001349839.2); c.1975G>C, p.Ala659Pro (NM_001330693.3, NM_001330694.2); c.2023G>C, p.Ala675Pro (NM_001349838.2); c.1978G>C, p.Ala660Pro (NM_001349840.2, NM_032171.3); c.2026G>C (NM_001098802.1); short protein forms A659P, A660P, A675P, A676P.
Identifiers: ClinVar variation 1084128 (VCV001084128.11), dbSNP rs200034752, ClinGen allele CA5095410.